The following is an entry in ClinVar:

NM_133433.4(NIPBL):c.1808del (p.Lys603fs)

Gene: NIPBL (NIPBL cohesin loading factor; plus strand). Cytogenetic location: 5p13.2.
Variant type: Deletion.
Coding change: c.1808del on transcript NM_133433.4 (MANE Select); coding-DNA position 1808, one base deleted (A; older notation c.1808delA).
Protein change: p.Lys603fs; shifts the reading frame from lysine 603.
Molecular consequence: frameshift variant.
Genome position (GRCh38, 1-based): chr5:36,984,988, A deleted; the last of 8 consecutive A bases (chr5:36,984,981-36,984,988); deleting any one gives the same sequence. VCF-style (leftmost placement, unchanged base first): chr5-36984980-TA-T. GRCh37 (hg19) VCF-style: chr5-36985082-TA-T.
Other names: c.1808del, p.Lys603fs (NM_015384.5); c.1808del (NM_133433.3); short protein forms K603fs.
Identifiers: ClinVar variation 180191 (VCV000180191.4), dbSNP rs727503767, ClinGen allele CA333579.

ClinVar aggregate classification (germline): Pathogenic/Likely pathogenic. Review status: criteria provided, multiple submitters, no conflicts (2 of 4 stars). 3 submissions from 3 submitters: Pathogenic (1); Likely pathogenic (1). 1 of the submissions does not count toward it. Last evaluated 2023-05-20.

Conditions:
Cornelia de Lange syndrome 1 (CDLS1). Also called: Brachmann de Lange syndrome; NIPBL-Related Cornelia de Lange Syndrome; TYPUS DEGENERATIVUS AMSTELODAMENSIS. Identifiers: Orphanet 199, MedGen C4551851, MONDO:0007387, OMIM 122470.

Submissions (3):

GeneDx
Classification: Pathogenic. Last evaluated: 2023-05-20. Review status: criteria provided, single submitter. Criteria: GeneDx Variant Classification Process June 2021. Collection method: clinical testing. Allele origin: germline. Affected: yes.
Comment: Frameshift variant predicted to result in protein truncation or nonsense mediated decay in a gene for which loss-of-function is a known mechanism of disease; This variant is associated with the following publications: (PMID: 23912250, 25574841, 34829455)

Revvity Omics, Revvity
Classification: Likely pathogenic for Cornelia de Lange syndrome 1. Last evaluated: 2023-04-03. Review status: criteria provided, single submitter. Criteria: ACMG Guidelines, 2015. Collection method: clinical testing. Allele origin: germline.

Lupski Lab, Baylor-Hopkins CMG, Baylor College of Medicine
Classification: Pathogenic for Cornelia de Lange Syndrome 1 (CdLS1). Last evaluated: 2014-12-02. Review status: no assertion criteria provided. Collection method: research. Allele origin: unknown. Affected: yes. Observed: 1 heterozygote. Not counted in ClinVar's aggregate classification.

Literature cited by the submitters: PubMed 25574841 (cited by Lupski Lab, Baylor-Hopkins CMG, Baylor College of Medicine).